The following is an entry in ClinVar:

ClinVar aggregate classification (germline): Likely benign. Review status: criteria provided, multiple submitters, no conflicts (2 of 4 stars). 5 submissions from 5 submitters: Likely benign (5). Last evaluated 2025-10-01.

Conditions:
Cardiovascular phenotype. Identifiers: MedGen CN230736.
Arrhythmogenic right ventricular dysplasia 11. Also called: ARRHYTHMOGENIC RIGHT VENTRICULAR DYSPLASIA, FAMILIAL, 11; Arrhythmogenic Right Ventricular Dysplasia/Cardiomyopathy11; Arrhythmogenic right ventricular dysplasia 11 with mild palmoplantar keratoderma and woolly hair. Identifiers: MedGen C1864850, MONDO:0012506, OMIM 610476.
Familial isolated arrhythmogenic right ventricular dysplasia. Identifiers: Orphanet 217656, MedGen C4274968, MONDO:0016342.
Cardiomyopathy (CMYO). Also called: Cardiomyopathies. Identifiers: Orphanet 167848, MedGen C0878544, MONDO:0004994, HP:0001638. Inheritance: Various modes of inheritance.

Allele frequency attached by ClinVar (database versions not stated): TOPMed 0.00002; ExAC 0.00001; gnomAD exomes 0.00001; gnomAD 0.00002.
gnomAD v4.1: 15 of 1,613,018 alleles (0.00093%); highest among the groups gnomAD compares: Non-Finnish European, 0.0012%; no homozygotes.

Submissions (5):

CeGaT Center for Human Genetics Tuebingen
Classification: Likely benign. Last evaluated: 2025-10-01. Review status: criteria provided, single submitter. Criteria: CeGaT Center For Human Genetics Tuebingen Variant Classification Criteria Version 2. Collection method: clinical testing. Allele origin: germline. Affected: yes. Observed: 1 variant allele.
Comment: DSC2: BP4, BP7

Labcorp Genetics (formerly Invitae), Labcorp
Classification: Likely benign for Arrhythmogenic right ventricular dysplasia 11. Last evaluated: 2025-09-12. Review status: criteria provided, single submitter. Criteria: Invitae Variant Classification Sherloc (09022015). Collection method: clinical testing. Allele origin: germline.

All of Us Research Program, National Institutes of Health
Classification: Likely benign for Familial isolated arrhythmogenic right ventricular dysplasia. Last evaluated: 2024-02-05. Review status: criteria provided, single submitter. Criteria: ACMG Guidelines, 2015. Collection method: clinical testing. Allele origin: germline. Inheritance: Autosomal dominant inheritance. Observed: 7 variant alleles, 7 heterozygotes.
Comment: This study involves interpretation of variants in research participants for the purpose of population health screening. Participant phenotype was not available at the time of variant classification. Additional details can be found in publication PMID: 35346344, PMCID: PMC8962531

Ambry Genetics
Classification: Likely benign for Cardiovascular phenotype. Last evaluated: 2023-11-21. Review status: criteria provided, single submitter. Criteria: Ambry Variant Classification Scheme 2023. Collection method: clinical testing. Allele origin: germline.

Color Diagnostics, LLC DBA Color Health
Classification: Likely benign for Cardiomyopathy. Last evaluated: 2021-12-16. Review status: criteria provided, single submitter. Criteria: ACMG Guidelines, 2015. Collection method: clinical testing. Allele origin: germline.

NM_024422.6(DSC2):c.324A>G (p.Lys108=)

Gene: DSC2 (desmocollin 2; minus strand). Cytogenetic location: 18q12.1.
Variant type: single nucleotide variant.
Coding change: c.324A>G on transcript NM_024422.6 (MANE Select); coding-DNA position 324, A replaced by G.
Protein change: p.Lys108=; no amino-acid change (lysine 108 retained).
Molecular consequence: synonymous variant.
Genome position (GRCh38, 1-based): chr18:31,092,131, T>C on the plus strand (A>G on the coding strand, the complement: DSC2 is on the minus strand). VCF-style: chr18-31092131-T-C. GRCh37 (hg19) VCF-style: chr18-28672094-T-C.
Other names: c.324A>G, p.Lys108= (NM_004949.5); c.324A>G (NM_024422.3).
Identifiers: ClinVar variation 1154279 (VCV001154279.19), dbSNP rs779651366, ClinGen allele CA037701.
Genomic context (GRCh38, chr18:31,092,131, plus strand): 5'-TCATTTCTTCATTTATGTAGCCTTGTATACCTTTGTTTGATGCTCCAAAAAGACAAATAT[T>C]TTCTTCTTTTCTTGGTTCTCAGTGTTGGAAAGTAATATGGTAAAACTTCTCTTCTCCGAG-3'
Protein context (NP_077740.1, residues 98-118): LSNTENQEKK[Lys108=]IFVFLEHQTK